The following is an entry in ClinVar:

ClinVar aggregate classification (germline): Uncertain significance (1 of 4 stars; one submission).

Conditions:
Primary ciliary dyskinesia 5. Also called: CILIARY DYSKINESIA, PRIMARY, 5, WITHOUT SITUS INVERSUS. Identifiers: Orphanet 244, MedGen C1837615, MONDO:0012088, OMIM 608647.

Allele frequency attached by ClinVar (database versions not stated): gnomAD exomes below 0.00001; TOPMed below 0.00001; gnomAD 0.00001.
gnomAD v4.1: 7 of 1,611,968 alleles (0.00043%); highest among the groups gnomAD compares: South Asian, 0.0011%; no homozygotes.

Submission:

Johns Hopkins Genomics, Johns Hopkins University
Classification: Uncertain significance for Primary ciliary dyskinesia 5. Last evaluated: 2021-10-20. Review status: criteria provided, single submitter. Criteria: ACMG Guidelines, 2015. Collection method: clinical testing. Allele origin: germline.
Comment: HYDIN c.3187A>G (rs1214490303) is rare (<0.1%) in a large population dataset (gnomAD: 1/239998 total alleles; 0.00042%; no homozygotes) and has not been reported in ClinVar nor the literature, to our knowledge. Three bioinformatic tools queried predict that this substitution would be tolerated, while the lysine residue at this position is evolutionarily conserved across most mammalian species assessed. We consider the clinical significance of HYDIN c.3187A>G to be uncertain at this time.

NM_001270974.2(HYDIN):c.3187A>G (p.Lys1063Glu)

Gene: HYDIN (HYDIN axonemal central pair apparatus protein; minus strand). Cytogenetic location: 16q22.2.
Variant type: single nucleotide variant.
Coding change: c.3187A>G on transcript NM_001270974.2 (MANE Select); coding-DNA position 3187, A replaced by G.
Protein change: p.Lys1063Glu; replaces lysine 1063 with glutamic acid.
Molecular consequence: missense variant.
Genome position (GRCh38, 1-based): chr16:71,020,317, T>C on the plus strand (A>G on the coding strand, the complement: HYDIN is on the minus strand). VCF-style: chr16-71020317-T-C. GRCh37 (hg19) VCF-style: chr16-71054220-T-C.
Other names: short protein forms K1063E.
Identifiers: ClinVar variation 1331715 (VCV001331715.1), dbSNP rs1214490303, ClinGen allele CA396623676.
Genomic context (GRCh38, chr16:71,020,317, plus strand): 5'-GGGTGGAAATGTTCTTTATGGCCAAGGGCTGGTAATCAGGTTTCAGGATACTGTTAGGTT[T>C]CTGCAAAAACAGAAAAAGAGGAAACAAATCAACTTATGGTAAATACAGTAAGCTTTTAGC-3'
Protein context (NP_001257903.1, residues 1053-1073): TKQLIYRLEK[Lys1063Glu]PNSILKPDYQ